The following is an entry in ClinVar:

ClinVar aggregate classification (germline): Conflicting classifications of pathogenicity. Review status: criteria provided, conflicting classifications (1 of 4 stars). 2 submissions from 2 submitters: Uncertain significance (1); Likely benign (1). Last evaluated 2025-12-06.

Conditions:
Hereditary cancer-predisposing syndrome. Also called: Neoplastic Syndromes, Hereditary; Tumor predisposition; Hereditary neoplastic syndrome; Hereditary Cancer Syndrome. Identifiers: Orphanet 140162, MedGen C0027672, MeSH D009386, MONDO:0015356.
Neuroblastoma, susceptibility to, 3. Also called: ALK-Related Neuroblastic Tumor Susceptibility. Identifiers: Orphanet 635, MedGen C2751681, MONDO:0013083, OMIM 613014.

Allele frequency attached by ClinVar (database versions not stated): gnomAD 0.00001; TOPMed 0.00002.
gnomAD v4.1: 1 of 1,614,020 alleles (0.000062%); highest among the groups gnomAD compares: Non-Finnish European, 0.000085%; no homozygotes.

Submissions (2):

Labcorp Genetics (formerly Invitae), Labcorp
Classification: Uncertain significance for Neuroblastoma, susceptibility to, 3. Last evaluated: 2025-12-06. Review status: criteria provided, single submitter. Criteria: Invitae Variant Classification Sherloc (09022015). Collection method: clinical testing. Allele origin: germline.
Comment: This sequence change affects codon 958 of the ALK mRNA. It is a 'silent' change, meaning that it does not change the encoded amino acid sequence of the ALK protein. This variant is not present in population databases (gnomAD no frequency). This variant has not been reported in the literature in individuals affected with ALK-related conditions. ClinVar contains an entry for this variant (Variation ID: 1797084). Algorithms developed to predict the effect of sequence changes on RNA splicing suggest that this variant may disrupt the consensus splice site. In summary, the available evidence is currently insufficient to determine the role of this variant in disease. Therefore, it has been classified as a Variant of Uncertain Significance.

Ambry Genetics
Classification: Likely benign for Hereditary cancer-predisposing syndrome. Last evaluated: 2020-03-22. Review status: criteria provided, single submitter. Criteria: Ambry Variant Classification Scheme 2023. Collection method: clinical testing. Allele origin: germline.

NM_004304.5(ALK):c.2874C>T (p.Phe958=)

Gene: ALK (ALK receptor tyrosine kinase; minus strand). Cytogenetic location: 2p23.2.
Variant type: single nucleotide variant.
Coding change: c.2874C>T on transcript NM_004304.5 (MANE Select); coding-DNA position 2874, C replaced by T.
Protein change: p.Phe958=; no amino-acid change (phenylalanine 958 retained).
Molecular consequence: synonymous variant.
Genome position (GRCh38, 1-based): chr2:29,227,614, G>A on the plus strand (C>T on the coding strand, the complement: ALK is on the minus strand). VCF-style: chr2-29227614-G-A. GRCh37 (hg19) VCF-style: chr2-29450480-G-A.
Identifiers: ClinVar variation 1797084 (VCV001797084.7), dbSNP rs1226555490, ClinGen allele CA425436132.
Genomic context (GRCh38, chr2:29,227,614, plus strand): 5'-CTGCCTGGCAGAGAAGCTACCTTTTAAAGCTGGGGTGTACAGGATGCCCAGTGGACTGAT[G>A]AAGGAAACCCCATCTTCCCCATCCATTTCGGGGTCATTGTTTGAGGCTGCATTGCCGCCT-3'
Protein context (NP_004295.2, residues 948-968): PEMDGEDGVS[Phe958=]ISPLGILYTP